The following is an entry in ClinVar:

ClinVar aggregate classification (germline): Uncertain significance (1 of 4 stars; one submission).

Conditions:
Neonatal-onset encephalopathy with rigidity and seizures. Also called: Lethal neonatal spasticity-epileptic encephalopathy syndrome. Identifiers: Orphanet 435845, MedGen C3281029, MONDO:0013784, OMIM 614498.

gnomAD v4.1: 4 of 1,612,612 alleles (0.00025%); highest among the groups gnomAD compares: Non-Finnish European, 0.00017%; no homozygotes.

Submission:

Labcorp Genetics (formerly Invitae), Labcorp
Classification: Uncertain significance for Neonatal-onset encephalopathy with rigidity and seizures. Last evaluated: 2024-08-14. Review status: criteria provided, single submitter. Criteria: Invitae Variant Classification Sherloc (09022015). Collection method: clinical testing. Allele origin: germline.
Comment: This sequence change replaces valine, which is neutral and non-polar, with glycine, which is neutral and non-polar, at codon 202 of the BRAT1 protein (p.Val202Gly). This variant is present in population databases (rs761277362, gnomAD 0.002%). This variant has not been reported in the literature in individuals affected with BRAT1-related conditions. Invitae Evidence Modeling of protein sequence and biophysical properties (such as structural, functional, and spatial information, amino acid conservation, physicochemical variation, residue mobility, and thermodynamic stability) indicates that this missense variant is not expected to disrupt BRAT1 protein function with a negative predictive value of 80%. In summary, the available evidence is currently insufficient to determine the role of this variant in disease. Therefore, it has been classified as a Variant of Uncertain Significance.

NM_152743.4(BRAT1):c.605T>G (p.Val202Gly)

Gene: BRAT1 (BRCA1 associated ATM activator 1; minus strand). Cytogenetic location: 7p22.3.
Variant type: single nucleotide variant.
Coding change: c.605T>G on transcript NM_152743.4 (MANE Select); coding-DNA position 605, T replaced by G.
Protein change: p.Val202Gly; replaces valine 202 with glycine.
Molecular consequence: missense variant. On other transcripts: non-coding transcript variant (1).
Genome position (GRCh38, 1-based): chr7:2,543,788, A>C on the plus strand (T>G on the coding strand, the complement: BRAT1 is on the minus strand). VCF-style: chr7-2543788-A-C. GRCh37 (hg19) VCF-style: chr7-2583422-A-C.
Other names: c.605T>G, p.Val202Gly (NM_001350626.2); c.80T>G, p.Val27Gly (NM_001350627.2); short protein forms V27G, V202G.
Identifiers: ClinVar variation 3705739 (VCV003705739.2).